The following is an entry in ClinVar:

ClinVar aggregate classification (germline): Uncertain significance (1 of 4 stars; one submission).

Conditions:
Hereditary cancer-predisposing syndrome. Also called: Neoplastic Syndromes, Hereditary; Tumor predisposition; Hereditary neoplastic syndrome; Hereditary Cancer Syndrome. Identifiers: Orphanet 140162, MedGen C0027672, MeSH D009386, MONDO:0015356.

Submission:

Ambry Genetics
Classification: Uncertain significance for Hereditary cancer-predisposing syndrome. Last evaluated: 2023-11-29. Review status: criteria provided, single submitter. Criteria: Ambry Variant Classification Scheme 2023. Collection method: clinical testing. Allele origin: germline.
Comment: The p.P651A variant (also known as c.1951C>G), located in coding exon 18 of the TSC2 gene, results from a C to G substitution at nucleotide position 1951. The proline at codon 651 is replaced by alanine, an amino acid with highly similar properties. This amino acid position is conserved. In addition, this alteration is predicted to be tolerated by in silico analysis. Since supporting evidence is limited at this time, the clinical significance of this alteration remains unclear.

NM_000548.5(TSC2):c.1951C>G (p.Pro651Ala)

Gene: TSC2 (TSC complex subunit 2; plus strand). Cytogenetic location: 16p13.3.
Variant type: single nucleotide variant.
Coding change: c.1951C>G on transcript NM_000548.5 (MANE Select); coding-DNA position 1951, C replaced by G.
Protein change: p.Pro651Ala; replaces proline 651 with alanine.
Molecular consequence: missense variant. On other transcripts: non-coding transcript variant (5).
Genome position (GRCh38, 1-based): chr16:2,071,788, C>G. VCF-style: chr16-2071788-C-G. GRCh37 (hg19) VCF-style: chr16-2121789-C-G.
Other names: c.1951C>G, p.Pro651Ala (NM_001077183.3, NM_001114382.3, NM_001363528.2 and 6 more transcripts); c.1840C>G, p.Pro614Ala (NM_001318827.2, NM_001406670.1, NM_001406678.1); c.1804C>G, p.Pro602Ala (NM_001318829.2, NM_001406675.1, NM_001406676.1 and 1 more transcripts); c.1351C>G, p.Pro451Ala (NM_001318831.2, NM_001406680.1, NM_001406682.1 and 6 more transcripts); c.1984C>G, p.Pro662Ala (NM_001318832.2); c.2041C>G, p.Pro681Ala (NM_001406667.1, NM_001406668.1); c.1939C>G, p.Pro647Ala (NM_001406671.1, NM_001406673.1); c.1894C>G, p.Pro632Ala (NM_001406677.1); and 3 more; short protein forms P117A, P203A, P451A, P497A, P602A, P614A, P632A, P647A.
Identifiers: ClinVar variation 3232096 (VCV003232096.1), dbSNP rs763160835, ClinGen allele CA394273573.
Genomic context (GRCh38, chr16:2,071,788, plus strand): 5'-TCTGTTCCGTTCCTGCTGCGGGGACTTGGCCTCAGCTGCTTCTCTTGCTTCTGCAGGGAG[C>G]CAGAGAGAGGCTCTGAGAAGAAGACCAGCGGCCCCCTTTCTCCTCCCACAGGGCCTCCTG-3'
Protein context (NP_000539.2, residues 641-661): SPYCVCDYME[Pro651Ala]ERGSEKKTSG